The following is an entry in ClinVar:

ClinVar aggregate classification (germline): Uncertain significance (1 of 4 stars; one submission).

Conditions:
Chédiak-Higashi syndrome (CHS). Also called: Chediak-Higashi Syndrome. Identifiers: Orphanet 167, MedGen C0007965, MONDO:0008963, OMIM 214500.

Submission:

Labcorp Genetics (formerly Invitae), Labcorp
Classification: Uncertain significance for Chédiak-Higashi syndrome. Last evaluated: 2019-09-27. Review status: criteria provided, single submitter. Criteria: Invitae Variant Classification Sherloc (09022015). Collection method: clinical testing. Allele origin: germline.
Comment: In summary, the available evidence is currently insufficient to determine the role of this variant in disease. Therefore, it has been classified as a Variant of Uncertain Significance. Algorithms developed to predict the effect of missense changes on protein structure and function (SIFT, PolyPhen-2, Align-GVGD) all suggest that this variant is likely to be tolerated, but these predictions have not been confirmed by published functional studies and their clinical significance is uncertain. This variant has not been reported in the literature in individuals with LYST-related conditions. This variant is not present in population databases (ExAC no frequency). This sequence change replaces leucine with phenylalanine at codon 2322 of the LYST protein (p.Leu2322Phe). The leucine residue is weakly conserved and there is a small physicochemical difference between leucine and phenylalanine.

NM_000081.4(LYST):c.6966G>T (p.Leu2322Phe)

Gene: LYST (lysosomal trafficking regulator; minus strand). Cytogenetic location: 1q42.3.
Variant type: single nucleotide variant.
Coding change: c.6966G>T on transcript NM_000081.4 (MANE Select); coding-DNA position 6966, G replaced by T.
Protein change: p.Leu2322Phe; replaces leucine 2322 with phenylalanine.
Molecular consequence: missense variant.
Genome position (GRCh38, 1-based): chr1:235,757,374, C>A on the plus strand (G>T on the coding strand, the complement: LYST is on the minus strand). VCF-style: chr1-235757374-C-A. GRCh37 (hg19) VCF-style: chr1-235920674-C-A.
Other names: c.6966G>T, p.Leu2322Phe (NM_001301365.1); short protein forms L2322F.
Identifiers: ClinVar variation 935806 (VCV000935806.6), dbSNP rs1440045431, ClinGen allele CA344936594.